The following is an entry in ClinVar:

NM_001458.5(FLNC):c.7078G>A (p.Ala2360Thr)

Genes: FLNC-AS1 (FLNC antisense RNA 1; minus strand), FLNC (filamin C; plus strand). Cytogenetic location: 7q32.1.
Variant type: single nucleotide variant.
Coding change: c.7078G>A on transcript NM_001458.5 (MANE Select); coding-DNA position 7078, G replaced by A.
Protein change: p.Ala2360Thr; replaces alanine 2360 with threonine.
Molecular consequence: missense variant.
Genome position (GRCh38, 1-based): chr7:128,854,855, G>A. VCF-style: chr7-128854855-G-A. GRCh37 (hg19) VCF-style: chr7-128494909-G-A.
Other names: c.6979G>A, p.Ala2327Thr (NM_001127487.2); short protein forms A2360T, A2327T.
Identifiers: ClinVar variation 472160 (VCV000472160.10), dbSNP rs1390516682, ClinGen allele CA369215190.
Genomic context (GRCh38, chr7:128,854,855, plus strand): 5'-CGGGAGGCTGGCGCTGGGGGCCTGTCCATTGCTGTGGAGGGTCCTAGCAAAGCGGAGATT[G>A]CATTTGAGGATCGCAAAGATGGCTCCTGCGGCGTCTCCTATGTCGTCCAGGAACCAGGTG-3'
Protein context (NP_001449.3, residues 2350-2370): AVEGPSKAEI[Ala2360Thr]FEDRKDGSCG

ClinVar aggregate classification (germline): Uncertain significance. Review status: criteria provided, multiple submitters, no conflicts (2 of 4 stars). 2 submissions from 2 submitters: Uncertain significance (2). Last evaluated 2022-07-28.

Conditions:
Distal myopathy with posterior leg and anterior hand involvement. Also called: WILLIAMS DISTAL MYOPATHY. Identifiers: Orphanet 63273, MedGen C3279722, MONDO:0013550, OMIM 614065.
Myofibrillar myopathy 5. Also called: Filaminopathy (type); FILAMINOPATHY, AUTOSOMAL DOMINANT. Identifiers: Orphanet 171445, MedGen C1836050, MONDO:0012289, OMIM 609524.
Hypertrophic cardiomyopathy 26. Also called: Cardiomyopathy, familial hypertrophic, 26. Identifiers: Orphanet 75249, MedGen C4310749, MONDO:0014883, OMIM 617047.

Allele frequency attached by ClinVar (database versions not stated): gnomAD exomes below 0.00001.
gnomAD v4.1: 2 of 1,614,156 alleles (0.00012%); highest among the groups gnomAD compares: Non-Finnish European, 0.00017%; no homozygotes.

Submissions (2):

Women's Health and Genetics/Laboratory Corporation of America, LabCorp
Classification: Uncertain significance. Last evaluated: 2022-07-28. Review status: criteria provided, single submitter. Criteria: LabCorp Variant Classification Summary - May 2015. Collection method: clinical testing. Allele origin: germline.
Comment: Variant summary: FLNC c.7078G>A (p.Ala2360Thr) results in a non-conservative amino acid change located in the Immunoglobulin-like fold domain (IPR013783) of the encoded protein sequence. Four of five in-silico tools predict a benign effect of the variant on protein function. The variant allele was found at a frequency of 4e-06 in 249444 control chromosomes. The available data on variant occurrences in the general population are insufficient to allow any conclusion about variant significance. To our knowledge, no occurrence of c.7078G>A in individuals affected with Cardiomyopathy and no experimental evidence demonstrating its impact on protein function have been reported. One clinical diagnostic laboratory has submitted clinical-significance assessments for this variant to ClinVar after 2014 without evidence for independent evaluation and classified the variant as uncertain significance. Based on the evidence outlined above, the variant was classified as uncertain significance.

Labcorp Genetics (formerly Invitae), Labcorp
Classification: Uncertain significance for Distal myopathy with posterior leg and anterior hand involvement; Myofibrillar myopathy 5; Hypertrophic cardiomyopathy 26. Last evaluated: 2017-02-13. Review status: criteria provided, single submitter. Criteria: Invitae Variant Classification Sherloc (09022015). Collection method: clinical testing. Allele origin: germline.
Comment: In summary, this variant is a novel missense change that is not predicted to affect protein function. There is no indication that it causes disease, but the available evidence is currently insufficient to prove that conclusively. Therefore, it has been classified as a Variant of Uncertain Significance. Algorithms developed to predict the effect of missense changes on protein structure and function (SIFT, PolyPhen-2, Align-GVGD) all suggest that this variant is likely to be tolerated, but these predictions have not been confirmed by published functional studies. This variant is not present in population databases (ExAC no frequency) and has not been reported in the literature in individuals with a FLNC-related disease. This sequence change replaces alanine with threonine at codon 2360 of the FLNC protein (p.Ala2360Thr). The alanine residue is moderately conserved and there is a small physicochemical difference between alanine and threonine.